The following is an entry in ClinVar:

NM_000890.5(KCNJ5):c.834_835inv (p.Glu279Lys)

Gene: KCNJ5 (potassium inwardly rectifying channel subfamily J member 5; plus strand). Cytogenetic location: 11q24.3.
Variant type: Inversion.
Coding change: c.834_835inv on transcript NM_000890.5 (MANE Select).
Protein change: p.Glu279Lys; replaces glutamic acid 279 with lysine.
Molecular consequence: missense variant.
Genome position: GRCh38 VCF-style: chr11-128912107-TG-CA. GRCh37 (hg19) VCF-style: chr11-128782002-TG-CA.
Other names: c.834_835delTGinsCA (NM_000890.3); c.834_835inv, p.Glu279Lys (NM_001354169.2); short protein forms E279K.
Identifiers: ClinVar variation 2084462 (VCV002084462.5), ClinGen allele CA2580083820.

ClinVar aggregate classification (germline): Uncertain significance. Review status: criteria provided, multiple submitters, no conflicts (2 of 4 stars). 2 submissions from 2 submitters: Uncertain significance (2). Last evaluated 2024-10-15.

Conditions:
Long QT syndrome (LQTS). Identifiers: MedGen C0023976, MeSH D008133, MONDO:0002442. Disease mechanism: loss of function. Inheritance: Various modes of inheritance.
Cardiovascular phenotype. Identifiers: MedGen CN230736.

Submissions (2):

Labcorp Genetics (formerly Invitae), Labcorp
Classification: Uncertain significance for Long QT syndrome. Last evaluated: 2024-10-15. Review status: criteria provided, single submitter. Criteria: Invitae Variant Classification Sherloc (09022015). Collection method: clinical testing. Allele origin: germline.
Comment: This sequence change replaces glutamic acid, which is acidic and polar, with lysine, which is basic and polar, at codon 279 of the KCNJ5 protein (p.Glu279Lys). Information on the frequency of this variant in the gnomAD database is not available, as this variant may be reported differently in the database. This variant has not been reported in the literature in individuals affected with KCNJ5-related conditions. ClinVar contains an entry for this variant (Variation ID: 2084462). Experimental studies and prediction algorithms are not available or were not evaluated, and the functional significance of this variant is currently unknown. In summary, the available evidence is currently insufficient to determine the role of this variant in disease. Therefore, it has been classified as a Variant of Uncertain Significance.

Ambry Genetics
Classification: Uncertain significance for Cardiovascular phenotype. Last evaluated: 2023-10-26. Review status: criteria provided, single submitter. Criteria: Ambry Variant Classification Scheme 2023. Collection method: clinical testing. Allele origin: germline.
Comment: The c.834_835delTGinsCA variant, located in coding exon 1 of the KCNJ5 gene, results from an in-frame deletion of TG and insertion of CA at nucleotide positions 834 to 835. This results in the substitution of the glutamic acid residue for a lysine residue at codon 279, an amino acid with similar properties. This amino acid position is highly conserved in available vertebrate species. This alteration is predicted to be deleterious by BayesDel in silico analysis. Since supporting evidence is limited at this time, the clinical significance of this alteration remains unclear.